The following is an entry in ClinVar:

NM_000091.5(COL4A3):c.4649T>G (p.Val1550Gly)

Genes: MFF-DT (MFF divergent transcript; minus strand), COL4A3 (collagen type IV alpha 3 chain; plus strand). Cytogenetic location: 2q36.3.
Variant type: single nucleotide variant.
Coding change: c.4649T>G on transcript NM_000091.5 (MANE Select); coding-DNA position 4649, T replaced by G.
Protein change: p.Val1550Gly; replaces valine 1550 with glycine.
Molecular consequence: missense variant.
Genome position (GRCh38, 1-based): chr2:227,309,212, T>G. VCF-style: chr2-227309212-T-G. GRCh37 (hg19) VCF-style: chr2-228173928-T-G.
Other names: c.4649T>G (NM_000091.4); short protein forms V1550G.
Identifiers: ClinVar variation 585522 (VCV000585522.10), dbSNP rs200655479, ClinGen allele CA2147599.

ClinVar aggregate classification (germline): Conflicting classifications of pathogenicity. Review status: criteria provided, conflicting classifications (1 of 4 stars). 6 submissions from 6 submitters: Likely pathogenic (1); Uncertain significance (4). 1 of the submissions does not count toward it. Last evaluated 2025-11-04.

Conditions:
Alport syndrome. Also called: Hemorrhagic familial nephritis; Hemorrhagic hereditary nephritis; Congenital hereditary hematuria. Identifiers: Orphanet 63, MedGen C1567741, MONDO:0018965.
Autosomal recessive Alport syndrome (ATS2). Also called: ALPORT SYNDROME 2, AUTOSOMAL RECESSIVE; Alport syndrome type 2; COL4A3-Related Nephropathy; COL4A4 Alport Syndrome and Thin Basement Membrane Nephropathy. Identifiers: Orphanet 63, Orphanet 88919, MedGen C4746745, MONDO:0008762, OMIM 203780.
Autosomal dominant Alport syndrome (ATS3A). Also called: ALPORT SYNDROME 3A, AUTOSOMAL DOMINANT; Alport syndrome dominant type; Renal failure and sensorineural hearing loss. Identifiers: Orphanet 63, Orphanet 88918, MedGen C5882663, MONDO:0007086, OMIM 104200.
COL4A3-related disorder. Also called: COL4A3-related condition; COL4A3-Related Disorders.

Allele frequency attached by ClinVar (database versions not stated): gnomAD 0.00006; TOPMed 0.00010; 1000 Genomes Project 30x 0.00031; 1000 Genomes Project 0.00040.
gnomAD v4.1: 38 of 1,614,160 alleles (0.0024%); highest among the groups gnomAD compares: Admixed American, 0.047%; no homozygotes.

Submissions (6):

PreventionGenetics, part of Exact Sciences
Classification: Uncertain significance for COL4A3-related condition. Last evaluated: 2025-11-04. Review status: criteria provided, single submitter. Criteria: ACMG Guidelines, 2015. Collection method: clinical testing. Allele origin: germline.
Comment: The COL4A3 c.4649T>G variant is predicted to result in the amino acid substitution p.Val1550Gly. This variant has been reported in an individual with glomerular kidney disease; however, the patient also harbored a variant in the COL4A5 gene (Table S3, Bullich et al. 2018. PubMed ID: 29801666). This variant has also been reported in the compound heterozygous state with another potentially causative COL4A3 variant in a patient with early onset kidney disease (Table S2, Domingo-Gallego et al. 2022. PubMed ID: 33532864) and in the heterozygous state along with a de novo COL4A3 variant in a patient with hearing loss (Buonfiglio et al. 2022. PubMed ID: 34997062). This variant is reported in 0.049% of alleles in individuals of Latino descent in gnomAD. This variant has been classified as both likely pathogenic and uncertain by submitters to the ClinVar database (Variation ID: 585522). At this time, the clinical significance of this variant is uncertain due to the absence of conclusive functional and genetic evidence.

Labcorp Genetics (formerly Invitae), Labcorp
Classification: Uncertain significance. Last evaluated: 2022-07-29. Review status: criteria provided, single submitter. Criteria: Invitae Variant Classification Sherloc (09022015). Collection method: clinical testing. Allele origin: germline.
Comment: This sequence change replaces valine, which is neutral and non-polar, with glycine, which is neutral and non-polar, at codon 1550 of the COL4A3 protein (p.Val1550Gly). This variant is present in population databases (rs200655479, gnomAD 0.04%). This missense change has been observed in individual(s) with COL4A3-related conditions (PMID: 29801666, 33532864). ClinVar contains an entry for this variant (Variation ID: 585522). Advanced modeling of protein sequence and biophysical properties (such as structural, functional, and spatial information, amino acid conservation, physicochemical variation, residue mobility, and thermodynamic stability) performed at Invitae indicates that this missense variant is expected to disrupt COL4A3 protein function. In summary, the available evidence is currently insufficient to determine the role of this variant in disease. Therefore, it has been classified as a Variant of Uncertain Significance.

INGEBI, INGEBI / CONICET
Classification: Uncertain significance for Autosomal dominant Alport syndrome. Last evaluated: 2021-07-15. Review status: criteria provided, single submitter. Criteria: ClinGen HL ACMG Specifications v1. Collection method: clinical testing. Allele origin: germline. Affected: yes.
Comment: Based on ACMG/AMP guidelines and Hearing Loss Expert Panel specific criteria: The Filtering allele frequency of p.Val1550Gly is (17/34490) 0,031% (95% CI) in latino population (obtained from gnomAD population db) meeting PM2_Sup. Computational evidence predicted a damage impact of the mutation to the protein (PP3; REVEL:0.9). Considering all te information (PM2_Sup, PP3) the variant is classified as Uncertain Significance.

Molecular Biology Laboratory, Fundació Puigvert
Classification: Likely pathogenic for Autosomal recessive Alport syndrome. Last evaluated: 2020-02-01. Review status: criteria provided, single submitter. Criteria: ACMG Guidelines, 2015. Collection method: research. Allele origin: germline. Affected: yes. Study: KidneyPanel_2020.

Athena Diagnostics
Classification: Uncertain significance. Last evaluated: 2018-05-02. Review status: criteria provided, single submitter. Criteria: Athena Diagnostics Criteria. Collection method: clinical testing. Allele origin: germline.

Natera, Inc.
Classification: Uncertain significance for Alport syndrome. Last evaluated: 2020-09-09. Review status: no assertion criteria provided. Collection method: clinical testing. Allele origin: germline. Not counted in ClinVar's aggregate classification.

Literature cited by the submitters: PubMed 29801666 (cited by Labcorp Genetics (formerly Invitae), Labcorp); PubMed 33532864 (cited by Labcorp Genetics (formerly Invitae), Labcorp and Molecular Biology Laboratory, Fundació Puigvert).